The following is an entry in ClinVar:

ClinVar aggregate classification (germline): Likely benign. Review status: criteria provided, multiple submitters, no conflicts (2 of 4 stars). 3 submissions from 3 submitters: Likely benign (2). 1 of the submissions does not count toward it. Last evaluated 2025-10-06.

Conditions:
VCAN-related disorder. Also called: VCAN-related condition.

Allele frequency attached by ClinVar (database versions not stated): gnomAD 0.00005 and 0.00006; ExAC 0.00007; gnomAD exomes 0.00007 and 0.00012; ESP Exome Variant Server 0.00008; TOPMed 0.00008; 1000 Genomes Project 30x 0.00016; 1000 Genomes Project 0.00020.
gnomAD v4.1: 191 of 1,613,942 alleles (0.012%); highest among the groups gnomAD compares: Non-Finnish European, 0.015%; 1 homozygote.

Submissions (3):

Labcorp Genetics (formerly Invitae), Labcorp
Classification: Likely benign. Last evaluated: 2025-10-06. Review status: criteria provided, single submitter. Criteria: Invitae Variant Classification Sherloc (09022015). Collection method: clinical testing. Allele origin: germline.

Blueprint Genetics
Classification: Likely benign. Last evaluated: 2022-09-29. Review status: criteria provided, single submitter. Criteria: ACMG Guidelines, 2015. Collection method: clinical testing. Allele origin: germline.

PreventionGenetics, part of Exact Sciences
Classification: Likely benign for VCAN-related condition. Last evaluated: 2023-08-10. Review status: no assertion criteria provided. Collection method: clinical testing. Allele origin: germline. Not counted in ClinVar's aggregate classification.
Comment: This variant is classified as likely benign based on ACMG/AMP sequence variant interpretation guidelines (Richards et al. 2015 PMID: 25741868, with internal and published modifications).

NM_004385.5(VCAN):c.3405G>A (p.Gly1135=)

Gene: VCAN (versican; plus strand). Cytogenetic location: 5q14.3.
Variant type: single nucleotide variant.
Coding change: c.3405G>A on transcript NM_004385.5 (MANE Select); coding-DNA position 3405, G replaced by A.
Protein change: p.Gly1135=; no amino-acid change (glycine 1135 retained).
Molecular consequence: synonymous variant. On other transcripts: intron variant (2).
Genome position (GRCh38, 1-based): chr5:83,521,711, G>A. VCF-style: chr5-83521711-G-A. GRCh37 (hg19) VCF-style: chr5-82817530-G-A.
Other names: c.3405G>A, p.Gly1135= (NM_001164098.2); c.1042+9315G>A (NM_001164097.2, NM_001126336.3); c.3405G>A (NM_004385.4).
Identifiers: ClinVar variation 1113436 (VCV001113436.12), dbSNP rs199559408, ClinGen allele CA3333000.